The following is an entry in ClinVar:

NM_000836.4(GRIN2D):c.1581+3G>A

Gene: GRIN2D (glutamate ionotropic receptor NMDA type subunit 2D; plus strand). Cytogenetic location: 19q13.33.
Variant type: single nucleotide variant.
Coding change: c.1581+3G>A on transcript NM_000836.4 (MANE Select); 3 bases into the intron after coding-DNA position 1581, G replaced by A.
Molecular consequence: intron variant.
Genome position (GRCh38, 1-based): chr19:48,415,035, G>A. VCF-style: chr19-48415035-G-A. GRCh37 (hg19) VCF-style: chr19-48918292-G-A.
Identifiers: ClinVar variation 1495285 (VCV001495285.6), dbSNP rs1307463116, ClinGen allele CA633587753.

ClinVar aggregate classification (germline): Uncertain significance (1 of 4 stars; one submission).

Allele frequency attached by ClinVar (database versions not stated): gnomAD exomes below 0.00001 and 0.00002; gnomAD 0.00001; TOPMed 0.00002.
gnomAD v4.1: 7 of 1,576,758 alleles (0.00044%); highest among the groups gnomAD compares: East Asian, 0.014%; no homozygotes.

Submission:

Labcorp Genetics (formerly Invitae), Labcorp
Classification: Uncertain significance. Last evaluated: 2026-01-12. Review status: criteria provided, single submitter. Criteria: Invitae Variant Classification Sherloc (09022015). Collection method: clinical testing. Allele origin: germline.
Comment: This sequence change falls in intron 6 of the GRIN2D gene. It does not directly change the encoded amino acid sequence of the GRIN2D protein. It affects a nucleotide within the consensus splice site. This variant is present in population databases (no rsID available, gnomAD 0.03%). This variant has not been reported in the literature in individuals affected with GRIN2D-related conditions. ClinVar contains an entry for this variant (Variation ID: 1495285). Variants that disrupt the consensus splice site are a relatively common cause of aberrant splicing (PMID: 17576681, 9536098). Algorithms developed to predict the effect of sequence changes on RNA splicing suggest that this variant is not likely to affect RNA splicing. In summary, the available evidence is currently insufficient to determine the role of this variant in disease. Therefore, it has been classified as a Variant of Uncertain Significance.

Literature cited by the submitters: PubMed 17576681; PubMed 9536098.